The following is an entry in ClinVar:

NM_130384.3(ATRIP):c.1886G>C (p.Gly629Ala)

Genes: ATRIP (ATR interacting protein; plus strand), ATRIP-TREX1 (ATRIP-TREX1 readthrough; plus strand). Cytogenetic location: 3p21.31.
Variant type: single nucleotide variant.
Coding change: c.1886G>C on transcript NM_130384.3 (MANE Select); coding-DNA position 1886, G replaced by C.
Protein change: p.Gly629Ala; replaces glycine 629 with alanine.
Molecular consequence: missense variant. On other transcripts: non-coding transcript variant (1).
Genome position (GRCh38, 1-based): chr3:48,464,044, G>C. VCF-style: chr3-48464044-G-C. GRCh37 (hg19) VCF-style: chr3-48505443-G-C.
Other names: c.1505G>C, p.Gly502Ala (NM_001271022.2); c.1607G>C, p.Gly536Ala (NM_001271023.2); c.1886G>C, p.Gly629Ala (NM_032166.4); short protein forms G502A, G536A, G629A.
Identifiers: ClinVar variation 4842170 (VCV004842170.1).

ClinVar aggregate classification (germline): Uncertain significance (1 of 4 stars; one submission).

Submission:

Ambry Genetics
Classification: Uncertain significance. Last evaluated: 2025-12-24. Review status: criteria provided, single submitter. Criteria: Ambry Variant Classification Scheme 2023. Collection method: clinical testing. Allele origin: germline.
Comment: The p.G629A variant (also known as c.1886G>C), located in coding exon 10 of the ATRIP gene, results from a G to C substitution at nucleotide position 1886. The glycine at codon 629 is replaced by alanine, an amino acid with similar properties. This amino acid position is conserved. In addition, this alteration is predicted to be tolerated by in silico analysis. Based on the available evidence, the clinical significance of this variant remains unclear.